The following is an entry in ClinVar:

NM_181458.4(PAX3):c.576_579GAGC[1] (p.Arg195fs)

Gene: PAX3 (paired box 3; minus strand). Cytogenetic location: 2q36.1.
Variant type: Microsatellite.
Coding change: c.576_579GAGC[1] on transcript NM_181458.4 (MANE Select).
Protein change: p.Arg195fs; shifts the reading frame from arginine 195.
Molecular consequence: frameshift variant.
Genome position: GRCh38 VCF-style: chr2-222294166-CCTCG-C. GRCh37 (hg19) VCF-style: chr2-223158885-CCTCG-C.
Other names: c.583_586del, p.Arg195fs (NM_000438.6, NM_013942.5); c.573_576GAGC[1], p.Arg194fs (NM_001127366.3); c.576_579GAGC[1], p.Arg195fs (NM_181457.4, NM_181459.4, NM_181460.4 and 1 more transcripts); c.583_586del (NM_181459.4); short protein forms R194fs, R195fs.
Identifiers: ClinVar variation 3601584 (VCV003601584.1).

ClinVar aggregate classification (germline): Pathogenic (1 of 4 stars; one submission).

Conditions:
Waardenburg syndrome type 1 (WS1). Also called: WAARDENBURG SYNDROME WITH DYSTOPIA CANTHORUM; Waardenburg Syndrome Type I. Identifiers: Orphanet 894, MedGen C1847800, MONDO:0008670, OMIM 193500.

Submission:

Institute of Rare Diseases, West China Hospital, Sichuan University
Classification: Pathogenic for Waardenburg syndrome type 1. Last evaluated: 2025-01-09. Review status: criteria provided, single submitter. Criteria: ClinGen HL ACMG Specifications v1. Collection method: research. Allele origin: germline. Affected: yes.
Comment: PVS1;PP4;PM2_Supporting